The following is an entry in ClinVar:

ClinVar aggregate classification (germline): Uncertain significance (1 of 4 stars; one submission).

Conditions:
Familial colorectal cancer. Identifiers: MedGen CN280943, MONDO:0023113. Disease mechanism: loss of function.

Submission:

Labcorp Genetics (formerly Invitae), Labcorp
Classification: Uncertain significance for Familial colorectal cancer. Last evaluated: 2023-01-20. Review status: criteria provided, single submitter. Criteria: Invitae Variant Classification Sherloc (09022015). Collection method: clinical testing. Allele origin: germline.
Comment: In summary, the available evidence is currently insufficient to determine the role of this variant in disease. Therefore, it has been classified as a Variant of Uncertain Significance. Two different tandem duplications (40 kb and 16 kb) spanning the 3' end of the SCG5 gene and the region upstream of the GREM1 gene have been reported in families with hereditary mixed polyposis syndrome (PMID: 22561515, 25992589, 26493165). However, the gain identified in this individual is different from those variants, and therefore the impact of the additional duplicated sequences on GREM1 expression and function has not been established. This variant is a copy number gain that occurs in a non-coding region of the GREM1 gene. It does not change the encoded amino acid sequence of the GREM1 protein.

Literature cited by the submitters: PubMed 22561515; PubMed 25992589; PubMed 26493165.

NC_000015.9:g.(?_32964889)_(32994756_?)dup

Genes: GREM1 (gremlin 1, DAN family BMP antagonist; plus strand), SCG5 (secretogranin V; plus strand). Cytogenetic location: 15q13.3.
Variant type: Duplication.
Identifiers: ClinVar variation 1411758 (VCV001411758.6).